The following is an entry in ClinVar:

ClinVar aggregate classification (germline): Likely pathogenic (1 of 4 stars; one submission).

Conditions:
Neurodevelopmental disorder with hypotonia, stereotypic hand movements, and impaired language. Also called: Intellectual disability, autosomal dominant 20. Identifiers: Orphanet 228384, Orphanet 664410, MedGen C3150700, MONDO:0013266, OMIM 613443.

Submission:

Institute of Human Genetics, University of Leipzig Medical Center
Classification: Likely pathogenic for Neurodevelopmental disorder with hypotonia, stereotypic hand movements, and impaired language. Last evaluated: 2025-09-22. Review status: criteria provided, single submitter. Criteria: ACMG Guidelines, 2015. Collection method: clinical testing. Allele origin: unknown. Inheritance: Autosomal dominant inheritance. Affected: yes.
Comment: Criteria applied: PM1,PM2,PP2,PP3

NM_002397.5(MEF2C):c.87G>A (p.Met29Ile)

Gene: MEF2C (myocyte enhancer factor 2C; minus strand). Cytogenetic location: 5q14.3.
Variant type: single nucleotide variant.
Coding change: c.87G>A on transcript NM_002397.5 (MANE Select); coding-DNA position 87, G replaced by A.
Protein change: p.Met29Ile; replaces methionine 29 with isoleucine.
Molecular consequence: missense variant.
Genome position (GRCh38, 1-based): chr5:88,804,769, C>T on the plus strand (G>A on the coding strand, the complement: MEF2C is on the minus strand). VCF-style: chr5-88804769-C-T. GRCh37 (hg19) VCF-style: chr5-88100586-C-T.
Other names: c.87G>A, p.Met29Ile (NM_001131005.2, NM_001193347.1, NM_001193348.1 and 29 more transcripts); short protein forms M29I.
Identifiers: ClinVar variation 4291113 (VCV004291113.1).